The following is an entry in ClinVar:

NM_024598.4(USB1):c.169G>A (p.Glu57Lys)

Gene: USB1 (U6 snRNA biogenesis phosphodiesterase 1; plus strand). Cytogenetic location: 16q21.
Variant type: single nucleotide variant.
Coding change: c.169G>A on transcript NM_024598.4 (MANE Select); coding-DNA position 169, G replaced by A.
Protein change: p.Glu57Lys; replaces glutamic acid 57 with lysine.
Molecular consequence: missense variant.
Genome position (GRCh38, 1-based): chr16:58,002,549, G>A. VCF-style: chr16-58002549-G-A. GRCh37 (hg19) VCF-style: chr16-58036453-G-A.
Other names: c.169G>A, p.Glu57Lys (NM_001195302.2, NM_001204911.2, NM_001330569.2); c.16G>A, p.Glu6Lys (NM_001330568.2); c.169G>A (NM_024598.3); short protein forms E6K, E57K.
Identifiers: ClinVar variation 1402949 (VCV001402949.4), dbSNP rs745321157, ClinGen allele CA8084821.

ClinVar aggregate classification (germline): Uncertain significance. Review status: criteria provided, multiple submitters, no conflicts (2 of 4 stars). 2 submissions from 2 submitters: Uncertain significance (2). Last evaluated 2022-08-30.

Conditions:
Inborn genetic diseases. Identifiers: MedGen C0950123, MeSH D030342.

Allele frequency attached by ClinVar (database versions not stated): TOPMed 0.00002; gnomAD exomes 0.00004; ExAC 0.00003.
gnomAD v4.1: 23 of 1,614,110 alleles (0.0014%); highest among the groups gnomAD compares: Admixed American, 0.0033%; no homozygotes.

Submissions (2):

Ambry Genetics
Classification: Uncertain significance for Inborn genetic diseases. Last evaluated: 2022-08-30. Review status: criteria provided, single submitter. Criteria: Ambry Variant Classification Scheme 2023. Collection method: clinical testing. Allele origin: germline.

Labcorp Genetics (formerly Invitae), Labcorp
Classification: Uncertain significance. Last evaluated: 2021-11-25. Review status: criteria provided, single submitter. Criteria: Invitae Variant Classification Sherloc (09022015). Collection method: clinical testing. Allele origin: germline.
Comment: This sequence change replaces glutamic acid, which is acidic and polar, with lysine, which is basic and polar, at codon 57 of the USB1 protein (p.Glu57Lys). This variant is present in population databases (rs745321157, gnomAD 0.007%). This variant has not been reported in the literature in individuals affected with USB1-related conditions. Algorithms developed to predict the effect of missense changes on protein structure and function are either unavailable or do not agree on the potential impact of this missense change (SIFT: "Not Available"; PolyPhen-2: "Benign"; Align-GVGD: "Not Available"). In summary, the available evidence is currently insufficient to determine the role of this variant in disease. Therefore, it has been classified as a Variant of Uncertain Significance.